The following is an entry in ClinVar:

NM_020297.4(ABCC9):c.4317T>G (p.Asp1439Glu)

Genes: ABCC9 (ATP binding cassette subfamily C member 9; minus strand), KCNJ8-AS1 (KCNJ8 antisense RNA 1; plus strand). Cytogenetic location: 12p12.1.
Variant type: single nucleotide variant.
Coding change: c.4317T>G on transcript NM_020297.4 (MANE Select); coding-DNA position 4317, T replaced by G.
Protein change: p.Asp1439Glu; replaces aspartic acid 1439 with glutamic acid.
Molecular consequence: missense variant.
Genome position (GRCh38, 1-based): chr12:21,807,478, A>C on the plus strand (T>G on the coding strand, the complement: ABCC9 is on the minus strand). VCF-style: chr12-21807478-A-C. GRCh37 (hg19) VCF-style: chr12-21960412-A-C.
Other names: c.4317T>G, p.Asp1439Glu (NM_001377273.1, NM_005691.4); c.3450T>G, p.Asp1150Glu (NM_001377274.1); short protein forms D1150E, D1439E.
Identifiers: ClinVar variation 2625272 (VCV002625272.5), dbSNP rs1941935829, ClinGen allele CA384132224.

ClinVar aggregate classification (germline): Uncertain significance. Review status: criteria provided, multiple submitters, no conflicts (2 of 4 stars). 2 submissions from 2 submitters: Uncertain significance (2). Last evaluated 2023-07-14.

Conditions:
Cardiovascular phenotype. Identifiers: MedGen CN230736.
Dilated cardiomyopathy 1O (CMD1O). Also called: CARDIOMYOPATHY, DILATED, WITH VENTRICULAR TACHYCARDIA. Identifiers: Orphanet 154, MedGen C1837839, MONDO:0012062, OMIM 608569.

Allele frequency attached by ClinVar (database versions not stated): gnomAD exomes below 0.00001.
gnomAD v4.1: 1 of 1,613,792 alleles (0.000062%); highest among the groups gnomAD compares: Non-Finnish European, 0.000085%; no homozygotes.

Submissions (2):

Labcorp Genetics (formerly Invitae), Labcorp
Classification: Uncertain significance for Dilated cardiomyopathy 1O. Last evaluated: 2023-07-14. Review status: criteria provided, single submitter. Criteria: Invitae Variant Classification Sherloc (09022015). Collection method: clinical testing. Allele origin: germline.
Comment: This sequence change replaces aspartic acid, which is acidic and polar, with glutamic acid, which is acidic and polar, at codon 1439 of the ABCC9 protein (p.Asp1439Glu). In summary, the available evidence is currently insufficient to determine the role of this variant in disease. Therefore, it has been classified as a Variant of Uncertain Significance. Algorithms developed to predict the effect of sequence changes on RNA splicing suggest that this variant may disrupt the consensus splice site. An algorithm developed to predict the effect of missense changes on protein structure and function (PolyPhen-2) suggests that this variant is likely to be tolerated. This variant has not been reported in the literature in individuals affected with ABCC9-related conditions. This variant is not present in population databases (gnomAD no frequency).

Ambry Genetics
Classification: Uncertain significance for Cardiovascular phenotype. Last evaluated: 2023-07-05. Review status: criteria provided, single submitter. Criteria: Ambry Variant Classification Scheme 2023. Collection method: clinical testing. Allele origin: germline.
Comment: The p.D1439E variant (also known as c.4317T>G), located in coding exon 36 of the ABCC9 gene, results from a T to G substitution at nucleotide position 4317. The aspartic acid at codon 1439 is replaced by glutamic acid, an amino acid with highly similar properties. This amino acid position is highly conserved in available vertebrate species. In addition, this alteration is predicted to be deleterious by in silico analysis. Since supporting evidence is limited at this time, the clinical significance of this alteration remains unclear.